The following is an entry in ClinVar:

ClinVar aggregate classification (germline): Conflicting classifications of pathogenicity. Review status: criteria provided, conflicting classifications (1 of 4 stars). 4 submissions from 4 submitters: Uncertain significance (1); Likely benign (3). Last evaluated 2026-04-01.

Conditions:
Amyotrophic lateral sclerosis type 21. Also called: VOCAL CORD AND PHARYNGEAL DYSFUNCTION WITH DISTAL MYOPATHY; MYOPATHY, DISTAL, 2. Identifiers: Orphanet 600, Orphanet 803, MedGen C3807521, MONDO:0011632, OMIM 606070.

Allele frequency attached by ClinVar (database versions not stated): 1000 Genomes Project 30x 0.00016; 1000 Genomes Project 0.00020; gnomAD exomes 0.00024 and 0.00027; TOPMed 0.00029; ExAC 0.00030; gnomAD 0.00033 and 0.00034; ESP Exome Variant Server 0.00054.
gnomAD v4.1: 403 of 1,614,234 alleles (0.025%); highest among the groups gnomAD compares: Middle Eastern, 0.049%; 2 homozygotes.

Submissions (4):

CeGaT Center for Human Genetics Tuebingen
Classification: Likely benign. Last evaluated: 2026-04-01. Review status: criteria provided, single submitter. Criteria: CeGaT Center For Human Genetics Tuebingen Variant Classification Criteria Version 2. Collection method: clinical testing. Allele origin: germline. Affected: yes. Observed: 1 variant allele.
Comment: MATR3: BS2

Labcorp Genetics (formerly Invitae), Labcorp
Classification: Likely benign for Amyotrophic lateral sclerosis type 21. Last evaluated: 2025-12-15. Review status: criteria provided, single submitter. Criteria: Invitae Variant Classification Sherloc (09022015). Collection method: clinical testing. Allele origin: germline.

Revvity Omics, Revvity
Classification: Uncertain significance for Amyotrophic lateral sclerosis type 21. Last evaluated: 2019-12-16. Review status: criteria provided, single submitter. Criteria: ACMG Guidelines, 2015. Collection method: clinical testing. Allele origin: germline.

Illumina Laboratory Services, Illumina
Classification: Likely benign for Amyotrophic lateral sclerosis type 21. Last evaluated: 2017-04-27. Review status: criteria provided, single submitter. Criteria: ICSL Variant Classification Criteria 13 December 2019. Collection method: clinical testing. Allele origin: germline.
Comment: This variant was observed as part of a predisposition screen in an ostensibly healthy population. A literature search was performed for the gene, cDNA change, and amino acid change (where applicable). Publications were found based on this search. The evidence from the literature, in combination with allele frequency data from public databases where available, was sufficient to determine this variant is unlikely to cause disease. Therefore, this variant is classified as likely benign.

Literature cited by the submitters: PubMed 25771394 (cited by Illumina Laboratory Services, Illumina).

NM_018834.6(MATR3):c.1991A>C (p.Glu664Ala)

Genes: MATR3 (matrin 3; plus strand), LOC126807526 (CDK7 strongly-dependent group 2 enhancer GRCh37_chr5:138657767-138658966; plus strand). Cytogenetic location: 5q31.2.
Variant type: single nucleotide variant.
Coding change: c.1991A>C on transcript NM_018834.6 (MANE Select); coding-DNA position 1991, A replaced by C.
Protein change: p.Glu664Ala; replaces glutamic acid 664 with alanine.
Molecular consequence: missense variant.
Genome position (GRCh38, 1-based): chr5:139,322,810, A>C. VCF-style: chr5-139322810-A-C. GRCh37 (hg19) VCF-style: chr5-138658499-A-C.
Other names: c.1991A>C, p.Glu664Ala (NM_001194954.2, NM_001194955.2, NM_199189.3); c.1127A>C, p.Glu376Ala (NM_001194956.2); c.977A>C, p.Glu326Ala (NM_001282278.2); short protein forms E664A, E376A, E326A.
Identifiers: ClinVar variation 351133 (VCV000351133.20), dbSNP rs139589527, ClinGen allele CA3433283.